The following is an entry in ClinVar:

NM_000110.4(DPYD):c.2135del (p.Pro712fs)

Genes: DPYD (dihydropyrimidine dehydrogenase; minus strand), DPYD-AS1 (DPYD antisense RNA 1; plus strand). Cytogenetic location: 1p21.3.
Variant type: Deletion.
Coding change: c.2135del on transcript NM_000110.4 (MANE Select); coding-DNA position 2135, one base deleted (C; older notation c.2135delC).
Protein change: p.Pro712fs; shifts the reading frame from proline 712.
Molecular consequence: frameshift variant. On other transcripts: non-coding transcript variant (1).
Genome position (GRCh38, 1-based): chr1:97,306,221, G deleted on the plus strand (C on the coding strand, the reverse complement: DPYD is on the minus strand); the first of 4 consecutive G bases (chr1:97,306,221-97,306,224); deleting any one gives the same sequence. VCF-style (leftmost placement, unchanged base first): chr1-97306220-TG-T. GRCh37 (hg19) VCF-style: chr1-97771776-TG-T.
Other names: c.2135delC (NM_000110.3); c.2135del (NM_000110.3); short protein forms P712fs.
Identifiers: ClinVar variation 423651 (VCV000423651.3), dbSNP rs1064796552, ClinGen allele CA16617217.

ClinVar aggregate classification (germline): Likely pathogenic (1 of 4 stars; one submission).

Submission:

GeneDx
Classification: Likely pathogenic. Last evaluated: 2024-07-25. Review status: criteria provided, single submitter. Criteria: GeneDx Variant Classification Process June 2021. Collection method: clinical testing. Allele origin: germline. Affected: yes.
Comment: Frameshift variant predicted to result in protein truncation or nonsense mediated decay in a gene for which loss of function is a known mechanism of disease; Not observed at significant frequency in large population cohorts (gnomAD); Has not been previously published as pathogenic or benign to our knowledge